The following is an entry in ClinVar:

ClinVar aggregate classification (germline): Pathogenic (1 of 4 stars; one submission).

Conditions:
Cryopyrin associated periodic syndrome (CAPS). Identifiers: Orphanet 208650, MedGen C2316212, MONDO:0016168.

Submission:

Labcorp Genetics (formerly Invitae), Labcorp
Classification: Pathogenic for Cryopyrin associated periodic syndrome. Last evaluated: 2024-11-21. Review status: criteria provided, single submitter. Criteria: Invitae Variant Classification Sherloc (09022015). Collection method: clinical testing. Allele origin: germline.
Comment: This sequence change replaces phenylalanine, which is neutral and non-polar, with leucine, which is neutral and non-polar, at codon 568 of the NLRP3 protein (p.Phe568Leu). This variant is not present in population databases (gnomAD no frequency). This missense change has been observed in individual(s) with CINCA syndrome (PMID: 21702021, 24431285, 25584041). In at least one individual the variant was observed to be de novo. This variant is also known as p.Phe566Leu. Invitae Evidence Modeling of protein sequence and biophysical properties (such as structural, functional, and spatial information, amino acid conservation, physicochemical variation, residue mobility, and thermodynamic stability) has been performed for this missense variant. However, the output from this modeling did not meet the statistical confidence thresholds required to predict the impact of this variant on NLRP3 protein function. This variant disrupts the p.Phe568 amino acid residue in NLRP3. Other variant(s) that disrupt this residue have been observed in individuals with NLRP3-related conditions (PMID: 25584041, 25619352), which suggests that this may be a clinically significant amino acid residue. For these reasons, this variant has been classified as Pathogenic.

Literature cited by the submitters: PubMed 21702021; PubMed 24431285; PubMed 25584041; PubMed 25619352.

NM_001243133.2(NLRP3):c.1698C>G (p.Phe566Leu)

Gene: NLRP3 (NLR family pyrin domain containing 3; plus strand). Cytogenetic location: 1q44.
Variant type: single nucleotide variant.
Coding change: c.1698C>G on transcript NM_001243133.2 (MANE Select); coding-DNA position 1698, C replaced by G.
Protein change: p.Phe566Leu; replaces phenylalanine 566 with leucine.
Molecular consequence: missense variant.
Genome position (GRCh38, 1-based): chr1:247,425,147, C>G. VCF-style: chr1-247425147-C-G. GRCh37 (hg19) VCF-style: chr1-247588449-C-G.
Other names: c.1704C>G, p.Phe568Leu (NM_004895.5); c.1698C>G, p.Phe566Leu (NM_183395.3, NM_001127462.3, NM_001079821.3 and 1 more transcripts); short protein forms F568L, F566L.
Identifiers: ClinVar variation 3633876 (VCV003633876.2).
Genomic context (GRCh38, chr1:247,425,147, plus strand): 5'-GAGTCGTTTGAAGCTTCCCAGCCGAGACGTGACAGTCCTTCTGGAAAACTATGGCAAATT[C>G]GAAAAGGGGTATTTGATTTTTGTTGTACGTTTCCTCTTTGGCCTGGTAAACCAGGAGAGG-3'
Protein context (NP_001230062.1, residues 556-576): VTVLLENYGK[Phe566Leu]EKGYLIFVVR